The following is an entry in ClinVar:

ClinVar aggregate classification (germline): Uncertain significance. Review status: criteria provided, multiple submitters, no conflicts (2 of 4 stars). 2 submissions from 2 submitters: Uncertain significance (2). Last evaluated 2026-06-15.

Conditions:
Cerebellar ataxia-hypogonadism syndrome. Also called: CEREBELLAR ATAXIA AND HYPOGONADOTROPIC HYPOGONADISM; LHRH DEFICIENCY AND ATAXIA; Gordon Holmes syndrome; Luteinizing hormone releasing hormone, deficiency of with ataxia; Cerebellar ataxia hypogonadotropic hypogonadism. Identifiers: Orphanet 1173, MedGen C1859305, MONDO:0008935, OMIM 212840.

Allele frequency attached by ClinVar (database versions not stated): gnomAD exomes 0.00001 and 0.00003; ExAC 0.00001; TOPMed 0.00002.
gnomAD v4.1: 41 of 1,611,044 alleles (0.0025%); highest among the groups gnomAD compares: Non-Finnish European, 0.0034%; no homozygotes.

Submissions (2):

Women's Health and Genetics/Laboratory Corporation of America, LabCorp
Classification: Uncertain significance. Last evaluated: 2026-06-15. Review status: criteria provided, single submitter. Criteria: LabCorp Variant Classification Summary - May 2015. Collection method: clinical testing. Allele origin: germline.
Comment: Variant summary: RNF216 c.108C>G (p.Asp36Glu) results in a conservative amino acid change in the encoded protein sequence. Algorithms developed to predict the effect of missense changes on protein structure and function are either unavailable or do not agree on the potential impact of this missense change. The variant allele was found at a frequency of 8e-06 in 249086 control chromosomes. The available data on variant occurrences in the general population are insufficient to allow any conclusion about variant significance. To our knowledge, no occurrence of c.108C>G in individuals affected with RNF216-related conditions and no experimental evidence demonstrating its impact on protein function have been reported. ClinVar contains an entry for this variant (Variation ID: 1676236). Based on the evidence outlined above, the variant was classified as uncertain significance.

Molecular Genetics, Royal Melbourne Hospital
Classification: Uncertain significance for Cerebellar ataxia-hypogonadism syndrome. Last evaluated: 2022-04-05. Review status: criteria provided, single submitter. Criteria: ACMG Guidelines, 2015. Collection method: clinical testing. Allele origin: germline. Affected: yes.
Comment: This sequence change is predicted to replace aspartic acid with glutamic acid at codon 36 of the RNF216 protein, p.(Asp36Glu). The aspartic acid residue is evolutionarily conserved (100 vertebrates, UCSC), and is not located in a known functional domain. There is a small physicochemical difference between aspartic acid and glutamic acid. The variant is present in a large population cohort at a frequency of 0.0008%, which is consistent with recessive disease (2/249,086 alleles, 0 homozygotes in gnomAD v2.1). The variant has not been reported in the relevant medical literature or databases. Multiple lines of computational evidence have conflicting predictions for the missense substitution (3/6 algorithms predict deleterious). Based on the classification scheme RMH Modified ACMG Guidelines v1.3.2, this variant is classified as a VARIANT OF UNCERTAIN SIGNIFICANCE. Following criteria are met: PM2_Supporting.

NM_207111.4(RNF216):c.108C>G (p.Asp36Glu)

Gene: RNF216 (ring finger protein 216; minus strand). Cytogenetic location: 7p22.1.
Variant type: single nucleotide variant.
Coding change: c.108C>G on transcript NM_207111.4 (MANE Select); coding-DNA position 108, C replaced by G.
Protein change: p.Asp36Glu; replaces aspartic acid 36 with glutamic acid.
Molecular consequence: missense variant.
Genome position (GRCh38, 1-based): chr7:5,752,939, G>C on the plus strand (C>G on the coding strand, the complement: RNF216 is on the minus strand). VCF-style: chr7-5752939-G-C. GRCh37 (hg19) VCF-style: chr7-5792570-G-C.
Other names: c.108C>G, p.Asp36Glu (NM_001377156.1, NM_207116.3); short protein forms D36E.
Identifiers: ClinVar variation 1676236 (VCV001676236.3), dbSNP rs780693172, ClinGen allele CA4148641.